The following is an entry in ClinVar:

NM_000287.4(PEX6):c.1127_1128del (p.Pro376fs)

Gene: PEX6 (peroxisomal biogenesis factor 6; minus strand). Cytogenetic location: 6p21.1.
Variant type: Deletion.
Coding change: c.1127_1128del on transcript NM_000287.4 (MANE Select); coding-DNA positions 1127 to 1128, 2 bases deleted (CC; older notation c.1127_1128delCC).
Protein change: p.Pro376fs; shifts the reading frame from proline 376.
Molecular consequence: frameshift variant. On other transcripts: non-coding transcript variant (1).
Genome position (GRCh38, 1-based): chr6:42,974,005-42,974,006, GG deleted on the plus strand (CC on the coding strand, the reverse complement: PEX6 is on the minus strand); deleting any 2 consecutive bases within chr6:42,974,005-42,974,007 gives the same sequence; the c. name uses the placement nearest the transcript's 3' end. VCF-style (leftmost placement, unchanged base first): chr6-42974004-TGG-T. GRCh37 (hg19) VCF-style: chr6-42941742-TGG-T.
Other names: c.863_864del, p.Pro288fs (NM_001316313.2); short protein forms P288fs, P376fs.
Identifiers: ClinVar variation 1725182 (VCV001725182.2), dbSNP rs2481251176, ClinGen allele CA2580074593.

ClinVar aggregate classification (germline): Likely pathogenic (1 of 4 stars; one submission).

Conditions:
Peroxisome biogenesis disorder 4A (Zellweger) (PBD4A). Also called: Zellweger syndrome spectrum (PEX6-related). Identifiers: Orphanet 912, MedGen C3553936, MONDO:0013930, OMIM 614862. Disease mechanism: loss of function.

Submission:

Myriad Genetics, Inc.
Classification: Likely pathogenic for Peroxisome biogenesis disorder 4A (Zellweger). Last evaluated: 2022-03-14. Review status: criteria provided, single submitter. Criteria: Myriad Women's Health Autosomal Recessive and X-Linked Classification Criteria (2021). Collection method: clinical testing. Allele origin: unknown.
Comment: NM_000287.3(PEX6):c.1127_1128delCC(P376Qfs*8) is expected to be pathogenic in the context of peroxisome biogenesis disorder type 4. This variant is predicted to lead to an abnormal or absent protein product due to the creation of a premature termination codon in PEX6, a gene where loss-of-function variants are known to be pathogenic. Please note: this variant was assessed in the context of healthy population screening.